The following is an entry in ClinVar:

NM_000330.4(RS1):c.326+14G>A

Genes: CDKL5 (cyclin dependent kinase like 5; plus strand), RS1 (retinoschisin 1; minus strand). Cytogenetic location: Xp22.13.
Variant type: single nucleotide variant.
Coding change: c.326+14G>A on transcript NM_000330.4 (MANE Select); 14 bases into the intron after coding-DNA position 326, G replaced by A.
Molecular consequence: intron variant.
Genome position (GRCh38, 1-based): chrX:18,647,177, C>T on the plus strand (G>A on the coding strand, the complement: RS1 is on the minus strand). VCF-style: chrX-18647177-C-T. GRCh37 (hg19) VCF-style: chrX-18665297-C-T.
Other names: c.2797+1087C>T (NM_003159.3, NM_001037343.2).
Identifiers: ClinVar variation 1600897 (VCV001600897.10), dbSNP rs370841048, ClinGen allele CA10360699.

ClinVar aggregate classification (germline): Benign. Review status: reviewed by expert panel (3 of 4 stars). 3 submissions from 3 submitters: Benign (1). 2 of the submissions do not count toward it. Last evaluated 2025-05-19.

Conditions:
Juvenile retinoschisis (RS1). Also called: X-linked retinoschisis; X-Linked Juvenile Retinoschisis. Identifiers: Orphanet 792, MedGen C3714753, MONDO:0010725, OMIM 312700.

Allele frequency attached by ClinVar (database versions not stated): ESP Exome Variant Server 0.00009; 1000 Genomes Project 0.00026; ExAC 0.00030; 1000 Genomes Project 30x 0.00042; gnomAD 0.00006 and 0.00010; TOPMed 0.00005.
gnomAD v4.1: 200 of 1,207,695 alleles (0.017%); highest among the groups gnomAD compares: South Asian, 0.28%; no homozygotes.

Submissions (3):

ClinGen X-linked Inherited Retinal Disease Variant Curation Expert Panel, ClinGen
Classification: Benign for Juvenile retinoschisis. Last evaluated: 2025-05-19. Review status: reviewed by expert panel. Criteria: ClinGen X LinkedIRD ACMG Specifications RS1 V1.0.0. Collection method: curation. Allele origin: germline. Inheritance: X-linked inheritance.
Comment: The NM_000330.4(RS1):c.326+14G>A variant is an intronic variant at intron 4, located 14 nucleotides after exon 4. This variant is present in gnomAD v4.1.0 at a frequency of 0.0002681 among hemizygous individuals, with 106 variant alleles / 395441 total alleles, which is higher than the ClinGen X-linked IRD VCEP BA1 threshold of >0.0002 (BA1). The splicing impact predictor SpliceAI gives a delta score of 0.01 Acceptor Gain, which is below the ClinGen X- linked IRD VCEP recommended threshold of <0.1 and does not strongly predict an impact on splicing (BP4). This intronic variant does not have an impact at splicing sites according to SpliceAI, which predicts a delta score of 0.01 for Acceptor Gain, which is below the ClinGen X-linked IRD VCEP recommended threshold of <0.1 and does not strongly predict an impact on splicing (BP7). In summary, this variant is classified as benign for X-linked retinoschisis based on the ClinGen X-linked Inherited Retinal Disease Expert Panel Specifications to the ACMG/AMP Variant Interpretation Guidelines for RS1 Version 1.0.0: BA1, BP4, and BP7. (date of approval 01/24/2025).

Labcorp Genetics (formerly Invitae), Labcorp
Classification: Benign. Last evaluated: 2025-12-30. Review status: criteria provided, single submitter. Criteria: Invitae Variant Classification Sherloc (09022015). Collection method: clinical testing. Allele origin: germline. Not counted in ClinVar's aggregate classification.

Blueprint Genetics
Classification: Likely benign. Last evaluated: 2022-09-05. Review status: criteria provided, single submitter. Criteria: ACMG Guidelines, 2015. Collection method: clinical testing. Allele origin: germline. Not counted in ClinVar's aggregate classification.